The following is an entry in ClinVar:

ClinVar aggregate classification (germline): Pathogenic/Likely pathogenic. Review status: criteria provided, multiple submitters, no conflicts (2 of 4 stars). 3 submissions from 3 submitters: Pathogenic (2); Likely pathogenic (1). Last evaluated 2025-04-28.

Conditions:
Autosomal dominant Alport syndrome (ATS3A). Also called: Alport syndrome dominant type; Renal failure and sensorineural hearing loss; ALPORT SYNDROME 3A, AUTOSOMAL DOMINANT. Identifiers: Orphanet 63, Orphanet 88918, MedGen C5882663, MONDO:0007086, OMIM 104200.
Alport syndrome 3b, autosomal recessive. Identifiers: MedGen C5882699, MONDO:0957811, OMIM 620536.
Hematuria, benign familial, 2 (BFH2). Identifiers: MedGen C5830421, MONDO:0958186, OMIM 620320.
Alport syndrome. Also called: Hemorrhagic familial nephritis; Hemorrhagic hereditary nephritis; Congenital hereditary hematuria. Identifiers: Orphanet 63, MedGen C1567741, MONDO:0018965.

Allele frequency attached by ClinVar (database versions not stated): gnomAD 0.00001.
gnomAD v4.1: 4 of 1,611,644 alleles (0.00025%); highest among the groups gnomAD compares: Admixed American, 0.0033%; no homozygotes.

Submissions (3):

Labcorp Genetics (formerly Invitae), Labcorp
Classification: Pathogenic. Last evaluated: 2025-04-28. Review status: criteria provided, single submitter. Criteria: Invitae Variant Classification Sherloc (09022015). Collection method: clinical testing. Allele origin: germline.
Comment: This sequence change affects a donor splice site in intron 22 of the COL4A3 gene. It is expected to disrupt RNA splicing. Variants that disrupt the donor or acceptor splice site typically lead to a loss of protein function (PMID: 16199547), and loss-of-function variants in COL4A3 are known to be pathogenic (PMID: 8956999, 24854265, 26809805, 27281700). This variant is present in population databases (no rsID available, gnomAD 0.003%). Disruption of this splice site has been observed in individuals with Alport syndrome (PMID: 31738409, 33040356; internal data). ClinVar contains an entry for this variant (Variation ID: 2731165). Algorithms developed to predict the effect of sequence changes on RNA splicing suggest that this variant may disrupt the consensus splice site. For these reasons, this variant has been classified as Pathogenic.

Fulgent Genetics
Classification: Likely pathogenic for Autosomal dominant Alport syndrome; Hematuria, benign familial, 2; Alport syndrome 3b, autosomal recessive. Last evaluated: 2024-05-08. Review status: criteria provided, single submitter. Criteria: ACMG Guidelines, 2015. Collection method: clinical testing. Allele origin: germline.

Victorian Clinical Genetics Services, Murdoch Childrens Research Institute
Classification: Pathogenic for Alport syndrome. Last evaluated: 2023-07-17. Review status: criteria provided, single submitter. Criteria: ACMG Guidelines, 2015. Collection method: clinical testing. Allele origin: germline. Affected: yes.
Comment: Based on the classification scheme VCGS_Germline_v1.3.4, this variant is classified as Pathogenic. Following criteria are met: 0103 - Dominant negative and loss of function are known mechanisms of disease in this gene and are associated with Alport syndrome (MONDO:0018965), COL4A3-related. Glycine changes that are part of a G-X-Y repeat in the triple helix of a collagen domain are known to have a dominant negative effect (PMID: 12028435). (I) 0108 - This gene is associated with both recessive (Alport syndrome 2 MIM#203780) and dominant disease (Alport syndrome 3 MIM#104200 and benign familial hematuria MIM#141200) (OMIM). (I) 0211 - Canonical splice site variant without proven consequence on splicing (no functional evidence available). (SP) 0251 - This variant is heterozygous. (I) 0304 - Variant is present in gnomAD (v2) <0.01 (1 heterozygote, 0 homozygote). (SP) 0505 - Abnormal splicing is predicted by in silico tools and affected nucleotide is highly conserved. (SP) 0703 - Other canonical splice variants comparable to the one identified in this case have moderate previous evidence for pathogenicity. c.1408+1G>A has been classified as pathogenic by a clinical laboratory in ClinVar, and c.1408+2T>C has been observed as heterozygous in an individual with Alport syndrome (PMID: 31738409). (SP) 0802 - This variant has moderate previous evidence of pathogenicity. (SP) 0905 - No published segregation evidence has been identified for this variant. (I) 1007 - No published functional evidence has been identified for this variant. (SP) Legend: (SP) - Supporting pathogenic, (I) - Information, (SB) - Supporting benign

Literature cited by the submitters: PubMed 16199547 (cited by Labcorp Genetics (formerly Invitae), Labcorp); PubMed 8956999 (cited by Labcorp Genetics (formerly Invitae), Labcorp); PubMed 24854265 (cited by Labcorp Genetics (formerly Invitae), Labcorp); PubMed 26809805 (cited by Labcorp Genetics (formerly Invitae), Labcorp); PubMed 27281700 (cited by Labcorp Genetics (formerly Invitae), Labcorp); PubMed 31738409 (cited by Labcorp Genetics (formerly Invitae), Labcorp and Victorian Clinical Genetics Services, Murdoch Childrens Research Institute); PubMed 33040356 (cited by Labcorp Genetics (formerly Invitae), Labcorp and Victorian Clinical Genetics Services, Murdoch Childrens Research Institute); PubMed 12028435 (cited by Victorian Clinical Genetics Services, Murdoch Childrens Research Institute).

NM_000091.5(COL4A3):c.1408+1G>C

Genes: COL4A3 (collagen type IV alpha 3 chain; plus strand), MFF-DT (MFF divergent transcript; minus strand). Cytogenetic location: 2q36.3.
Variant type: single nucleotide variant.
Coding change: c.1408+1G>C on transcript NM_000091.5 (MANE Select); the canonical splice donor site of the intron after coding-DNA position 1408, G replaced by C.
Molecular consequence: splice donor variant.
Genome position (GRCh38, 1-based): chr2:227,266,510, G>C. VCF-style: chr2-227266510-G-C. GRCh37 (hg19) VCF-style: chr2-228131226-G-C.
Other names: c.1408+1G>C (NM_000091.4).
Identifiers: ClinVar variation 2731165 (VCV002731165.5), dbSNP rs1185847791, ClinGen allele CA350870227.